The following is an entry in ClinVar:

NM_004056.6(CA8):c.206G>T (p.Arg69Leu)

Gene: CA8 (carbonic anhydrase 8; minus strand). Cytogenetic location: 8q12.1.
Variant type: single nucleotide variant.
Coding change: c.206G>T on transcript NM_004056.6 (MANE Select); coding-DNA position 206, G replaced by T.
Protein change: p.Arg69Leu; replaces arginine 69 with leucine.
Molecular consequence: missense variant. On other transcripts: non-coding transcript variant (1).
Genome position (GRCh38, 1-based): chr8:60,279,775, C>A on the plus strand (G>T on the coding strand, the complement: CA8 is on the minus strand). VCF-style: chr8-60279775-C-A. GRCh37 (hg19) VCF-style: chr8-61192334-C-A.
Other names: c.206G>T, p.Arg69Leu (NM_001321837.2, NM_001321838.2, NM_001321839.2); short protein forms R69L.
Identifiers: ClinVar variation 589293 (VCV000589293.5), dbSNP rs142471870, ClinGen allele CA4758941.

ClinVar aggregate classification (germline): Uncertain significance (1 of 4 stars; one submission).

Conditions:
Inborn genetic diseases. Identifiers: MedGen C0950123, MeSH D030342.

Allele frequency attached by ClinVar (database versions not stated): ExAC 0.00002; TOPMed 0.00002; ESP Exome Variant Server 0.00008.

Submission:

Ambry Genetics
Classification: Uncertain significance for Inborn genetic diseases. Last evaluated: 2016-08-29. Review status: criteria provided, single submitter. Criteria: Ambry Variant Classification Scheme 2023. Collection method: clinical testing. Allele origin: germline.
Comment: The p.R69L variant (also known as c.206G>T), located in coding exon 2 of the CA8 gene, results from a G to T substitution at nucleotide position 206. The arginine at codon 69 is replaced by leucine, an amino acid with dissimilar properties. This variant was previously reported in the SNPDatabase as rs142471870. Based on data from the NHLBI Exome Sequencing Project (ESP), the T allele has an overall frequency of approximately 0.01% (1/13006) total alleles studied and 0.01% (1/8600) European American alleles. Allele frequency data for this nucleotide position is not currently available from the 1000 Genomes Project. This amino acid position is not well conserved in available vertebrate species. In addition, this alteration is predicted to be tolerated by in silico analysis. Since supporting evidence is limited at this time, the clinical significance of this variant remains unclear.